The following is an entry in ClinVar:

ClinVar aggregate classification (germline): Uncertain significance (0 of 4 stars; one submission).

Conditions:
ACTG1-related disorder. Also called: ACTG1-related disorders; ACTG1-related condition.

gnomAD v4.1: 2 of 1,613,906 alleles (0.00012%); highest among the groups gnomAD compares: South Asian, 0.0011%; no homozygotes.

Submission:

PreventionGenetics, part of Exact Sciences
Classification: Uncertain significance for ACTG1-related condition. Last evaluated: 2024-04-05. Review status: no assertion criteria provided. Collection method: clinical testing. Allele origin: germline.
Comment: The ACTG1 c.65C>T variant is predicted to result in the amino acid substitution p.Ala22Val. To our knowledge, this variant has not been reported in the literature. This variant is reported in 0.00088% of alleles in individuals of European (Non-Finnish) descent in gnomAD. At this time, the clinical significance of this variant is uncertain due to the absence of conclusive functional and genetic evidence.

NM_001614.5(ACTG1):c.65C>T (p.Ala22Val)

Genes: ACTG1 (actin gamma 1; minus strand), LOC130061940 (ATAC-STARR-seq lymphoblastoid active region 12964; plus strand). Cytogenetic location: 17q25.3.
Variant type: single nucleotide variant.
Coding change: c.65C>T on transcript NM_001614.5 (MANE Select); coding-DNA position 65, C replaced by T.
Protein change: p.Ala22Val; replaces alanine 22 with valine.
Molecular consequence: missense variant. On other transcripts: non-coding transcript variant (1).
Genome position (GRCh38, 1-based): chr17:81,512,290, G>A on the plus strand (C>T on the coding strand, the complement: ACTG1 is on the minus strand). VCF-style: chr17-81512290-G-A. GRCh37 (hg19) VCF-style: chr17-79479316-G-A.
Other names: c.65C>T, p.Ala22Val (NM_001199954.3); short protein forms A22V.
Identifiers: ClinVar variation 3353485 (VCV003353485.1).